The following is an entry in ClinVar:

NC_000002.11:g.(?_215609781)_(215609893_?)dup

Gene: BARD1 (BRCA1 associated RING domain 1; minus strand). Cytogenetic location: 2q35.
Variant type: Duplication.
Identifiers: ClinVar variation 2423126 (VCV002423126.4).

ClinVar aggregate classification (germline): Uncertain significance (1 of 4 stars; one submission).

Conditions:
Familial cancer of breast. Also called: Hereditary breast cancer; hereditary breast carcinoma; BREAST CANCER, FAMILIAL. Identifiers: Orphanet 227535, MedGen C0346153, MONDO:0016419, OMIM 114480. Disease mechanism: loss of function.

Submission:

Labcorp Genetics (formerly Invitae), Labcorp
Classification: Uncertain significance for Familial cancer of breast. Last evaluated: 2022-10-21. Review status: criteria provided, single submitter. Criteria: Invitae Variant Classification Sherloc (09022015). Collection method: clinical testing. Allele origin: germline.
Comment: In summary, the available evidence is currently insufficient to determine the role of this variant in disease. Therefore, it has been classified as a Variant of Uncertain Significance. Experimental studies and prediction algorithms are not available or were not evaluated, and the functional significance of this variant is currently unknown. This variant has not been reported in the literature in individuals affected with BARD1-related conditions. This variant results in a copy number gain of the genomic region encompassing exon(s) 9 of the BARD1 gene. While the exact position of this variant cannot be determined from the data, sub-genic copy number gains are generally in tandem (PMID: 25640679). This variant is predicted to be in-frame, and likely preserves the integrity of the reading frame.

Literature cited by the submitters: PubMed 25640679.